The following is an entry in ClinVar:

ClinVar aggregate classification (germline): Uncertain significance (1 of 4 stars; one submission).

Submission:

GeneDx
Classification: Uncertain significance. Last evaluated: 2026-04-05. Review status: criteria provided, single submitter. Criteria: GeneDx Variant Classification Process June 2021. Collection method: clinical testing. Allele origin: germline.
Comment: Not observed at significant frequency in large population cohorts (gnomAD); In silico analysis supports that this missense variant has a deleterious effect on protein structure/function; Has not been previously published as pathogenic or benign to our knowledge

NM_015570.4(AUTS2):c.1629C>G (p.Phe543Leu)

Gene: AUTS2 (activator of transcription and developmental regulator AUTS2; plus strand). Cytogenetic location: 7q11.22.
Variant type: single nucleotide variant.
Coding change: c.1629C>G on transcript NM_015570.4 (MANE Select); coding-DNA position 1629, C replaced by G.
Protein change: p.Phe543Leu; replaces phenylalanine 543 with leucine.
Molecular consequence: missense variant.
Genome position (GRCh38, 1-based): chr7:70,766,274, C>G. VCF-style: chr7-70766274-C-G. GRCh37 (hg19) VCF-style: chr7-70231260-C-G.
Other names: c.1629C>G, p.Phe543Leu (NM_001127231.3); short protein forms F543L.
Identifiers: ClinVar variation 5018112 (VCV005018112.1).
Genomic context (GRCh38, chr7:70,766,274, plus strand): 5'-GTTCCATCAGCACCAGCACCAGCACCAGCACACCCACCAGCACACGCACCAGCACACCTT[C>G]ACGCCGTTCCCCCACGCCATCCCACCCACCGCCATCATGCCGACGCCAGCACCTCCCATG-3'
Protein context (NP_056385.1, residues 533-553): HTHQHTHQHT[Phe543Leu]TPFPHAIPPT